The following is an entry in ClinVar:

NM_001170535.3(ATAD3A):c.562C>T (p.Arg188Ter)

Gene: ATAD3A (ATPase family AAA domain containing 3A; plus strand). Cytogenetic location: 1p36.33.
Variant type: single nucleotide variant.
Coding change: c.562C>T on transcript NM_001170535.3 (MANE Select); coding-DNA position 562, C replaced by T.
Protein change: p.Arg188Ter; replaces arginine 188 with a stop codon.
Molecular consequence: nonsense.
Genome position (GRCh38, 1-based): chr1:1,520,188, C>T. VCF-style: chr1-1520188-C-T. GRCh37 (hg19) VCF-style: chr1-1455568-C-T.
Other names: c.325C>T, p.Arg109Ter (NM_001170536.3); c.706C>T, p.Arg236Ter (NM_018188.5); short protein forms R109*, R188*, R236*.
Identifiers: ClinVar variation 2446185 (VCV002446185.4), dbSNP rs374071750, ClinGen allele CA525845.

ClinVar aggregate classification (germline): Pathogenic/Likely pathogenic. Review status: criteria provided, multiple submitters, no conflicts (2 of 4 stars). 2 submissions from 2 submitters: Pathogenic (1); Likely pathogenic (1). Last evaluated 2025-09-17.

Conditions:
Pontocerebellar hypoplasia, hypotonia, and respiratory insufficiency syndrome, neonatal lethal. Also called: PHRINL SYNDROME. Identifiers: Orphanet 615954, MedGen C5394137, MONDO:0032931, OMIM 618810.
Harel-Yoon syndrome (HAYOS). Also called: Optic atrophy-peripheral neuropathy-developmental delay syndrome. Identifiers: Orphanet 496790, MedGen C4310677, MONDO:0014958, OMIM 617183.

Allele frequency attached by ClinVar (database versions not stated): gnomAD 0.00002.

Submissions (2):

GeneDx
Classification: Pathogenic. Last evaluated: 2025-09-17. Review status: criteria provided, single submitter. Criteria: GeneDx Variant Classification Process June 2021. Collection method: clinical testing. Allele origin: germline.
Comment: Nonsense variant predicted to result in protein truncation or nonsense mediated decay in a gene for which loss of function is a known mechanism of disease; Not observed at a significant frequency in large population cohorts (gnomAD); Has not been previously published as pathogenic or benign to our knowledge

Juno Genomics, Hangzhou Juno Genomics, Inc
Classification: Likely pathogenic for Harel-Yoon syndrome; Pontocerebellar hypoplasia, hypotonia, and respiratory insufficiency syndrome, neonatal lethal. Review status: criteria provided, single submitter. Criteria: ACMG Guidelines, 2015. Collection method: clinical testing. Allele origin: germline.
Comment: Absent from controls (or at extremely low frequency if recessive) in Genome Aggregation Database.;Null variant in a gene where loss of function (LOF) is a known mechanism of disease.